The following is an entry in ClinVar:

ClinVar aggregate classification (germline): Uncertain significance (1 of 4 stars; one submission).

Conditions:
Cardiovascular phenotype. Identifiers: MedGen CN230736.

Submission:

Ambry Genetics
Classification: Uncertain significance for Cardiovascular phenotype. Last evaluated: 2023-01-21. Review status: criteria provided, single submitter. Criteria: Ambry Variant Classification Scheme 2023. Collection method: clinical testing. Allele origin: germline.
Comment: The p.A341T variant (also known as c.1021G>A), located in coding exon 7 of the KCNQ1 gene, results from a G to A substitution at nucleotide position 1021. The alanine at codon 341 is replaced by threonine, an amino acid with similar properties. This amino acid position is highly conserved in available vertebrate species. In addition, this alteration is predicted to be deleterious by in silico analysis. Since supporting evidence is limited at this time, the clinical significance of this alteration remains unclear.

NM_000218.3(KCNQ1):c.1021G>A (p.Ala341Thr)

Gene: KCNQ1 (potassium voltage-gated channel subfamily Q member 1; plus strand). Cytogenetic location: 11p15.5.
Variant type: single nucleotide variant.
Coding change: c.1021G>A on transcript NM_000218.3 (MANE Select); coding-DNA position 1021, G replaced by A.
Protein change: p.Ala341Thr; replaces alanine 341 with threonine.
Molecular consequence: missense variant.
Genome position (GRCh38, 1-based): chr11:2,583,534, G>A. VCF-style: chr11-2583534-G-A. GRCh37 (hg19) VCF-style: chr11-2604764-G-A.
Other names: c.1021G>A, p.Ala341Thr (NM_001406836.1); c.751G>A, p.Ala251Thr (NM_001406837.1); c.577G>A, p.Ala193Thr (NM_001406838.1); c.640G>A, p.Ala214Thr (NM_181798.2); short protein forms A214T, A251T, A193T, A341T.
Identifiers: ClinVar variation 2453283 (VCV002453283.2), dbSNP rs2493696307, ClinGen allele CA379133123.
Genomic context (GRCh38, chr11:2,583,534, plus strand): 5'-CAGACGTGGGTCGGGAAGACCATCGCCTCCTGCTTCTCTGTCTTTGCCATCTCCTTCTTT[G>A]CGCTCCCAGCGGTAGGTGCCCCGTGGGTGCGTTTTCCCTGGCTCCTTGGACAGCTGGGGT-3'
Protein context (NP_000209.2, residues 331-351): CFSVFAISFF[Ala341Thr]LPAGILGSGF